The following is an entry in ClinVar:

ClinVar aggregate classification (germline): Uncertain significance (1 of 4 stars; one submission).

Conditions:
Congenital heart defects and ectodermal dysplasia (CHDED). Identifiers: MedGen C4479250, MONDO:0044303, OMIM 617364.

Allele frequency attached by ClinVar (database versions not stated): TOPMed below 0.00001; gnomAD 0.00001; gnomAD exomes 0.00001.
gnomAD v4.1: 3 of 1,612,850 alleles (0.00019%); highest among the groups gnomAD compares: South Asian, 0.0011%; no homozygotes.

Submission:

Baylor Genetics
Classification: Uncertain significance for Congenital heart defects and ectodermal dysplasia. Last evaluated: 2018-03-22. Review status: criteria provided, single submitter. Criteria: ACMG Guidelines, 2015. Collection method: clinical testing. Allele origin: maternal. Affected: yes.
Comment: This variant was determined to be of uncertain significance according to ACMG Guidelines, 2015 [PMID:25741868].

NM_002742.3(PRKD1):c.1322G>A (p.Arg441Gln)

Gene: PRKD1 (protein kinase D1; minus strand). Cytogenetic location: 14q12.
Variant type: single nucleotide variant.
Coding change: c.1322G>A on transcript NM_002742.3 (MANE Select); coding-DNA position 1322, G replaced by A.
Protein change: p.Arg441Gln; replaces arginine 441 with glutamine.
Molecular consequence: missense variant.
Genome position (GRCh38, 1-based): chr14:29,632,939, C>T on the plus strand (G>A on the coding strand, the complement: PRKD1 is on the minus strand). VCF-style: chr14-29632939-C-T. GRCh37 (hg19) VCF-style: chr14-30102145-C-T.
Other names: c.1346G>A, p.Arg449Gln (NM_001330069.2); c.1058G>A, p.Arg353Gln (NM_001348390.1); short protein forms R441Q, R449Q, R353Q.
Identifiers: ClinVar variation 1032079 (VCV001032079.1), dbSNP rs1181038822, ClinGen allele CA389335559.
Genomic context (GRCh38, chr14:29,632,939, plus strand): 5'-CTGCTTCCTGTGTCATTCTGAAAGAGGGTAATACATTTGCTATCCAATCTCCAATAGTGC[C>T]GTTTCCGCTGAAACAGAAGTTAGATCCAAGATCTTTTTAAAAAACTTTAAAAATATCCCC-3'
Protein context (NP_002733.2, residues 431-451): HYTSKDTLRK[Arg441Gln]HYWRLDSKCI